The following is an entry in ClinVar:

NM_001429.4(EP300):c.2242-5_2242-4dup

Gene: EP300 (EP300 lysine acetyltransferase; plus strand). Cytogenetic location: 22q13.2.
Variant type: Duplication.
Coding change: c.2242-5_2242-4dup on transcript NM_001429.4 (MANE Select); 5 bases into the intron before coding-DNA position 2242 through 4 bases into the intron before coding-DNA position 2242, 2 bases duplicated (TT; older notation c.2242-5_2242-4dupTT).
Molecular consequence: intron variant.
Genome position (GRCh38, 1-based): chr22:41,149,033-41,149,034, TT duplicated; duplicating any 2 consecutive bases within chr22:41,149,021-41,149,034 gives the same sequence; the c. name uses the placement nearest the transcript's 3' end. VCF-style (leftmost placement, unchanged base first): chr22-41149020-G-GTT. GRCh37 (hg19) VCF-style: chr22-41545024-G-GTT.
Other names: c.2164-5_2164-4dup (NM_001362843.2).
Identifiers: ClinVar variation 3042009 (VCV003042009.3), dbSNP rs747710183, ClinGen allele CA10252808.
Genomic context (GRCh38, chr22:41,149,020, plus strand): 5'-GAGCATTTGATGATTTTAGTTATAGTAGAATAACTATAATGAAGCAGTTTGGTGATTTGT[G>GTT]TTTTTTTTTTTTTTCAGCCTATGGGCTATGGGCCTCGTATGCAACAGCCTTCCAACCAGG-3'

ClinVar aggregate classification (germline): Likely benign. Review status: criteria provided, single submitter (1 of 4 stars). 2 submissions from 2 submitters: Likely benign (1). 1 of the submissions does not count toward it. Last evaluated 2024-11-14.

Conditions:
EP300-related disorder. Also called: EP300-related condition; EP300-related disorders.

Submissions (2):

Blueprint Genetics
Classification: Likely benign. Last evaluated: 2024-11-14. Review status: criteria provided, single submitter. Criteria: ACMG Guidelines, 2015. Collection method: clinical testing. Allele origin: germline.

PreventionGenetics, part of Exact Sciences
Classification: Benign for EP300-related condition. Last evaluated: 2019-06-10. Review status: no assertion criteria provided. Collection method: clinical testing. Allele origin: germline. Not counted in ClinVar's aggregate classification.
Comment: This variant is classified as benign based on ACMG/AMP sequence variant interpretation guidelines (Richards et al. 2015 PMID: 25741868, with internal and published modifications).